The following is an entry in ClinVar:

NM_020859.4(SHROOM3):c.619C>T (p.His207Tyr)

Genes: SHROOM3 (shroom family member 3; plus strand), SHROOM3-AS1 (SHROOM3 antisense RNA 1; minus strand). Cytogenetic location: 4q21.1.
Variant type: single nucleotide variant.
Coding change: c.619C>T on transcript NM_020859.4 (MANE Select); coding-DNA position 619, C replaced by T.
Protein change: p.His207Tyr; replaces histidine 207 with tyrosine.
Molecular consequence: missense variant.
Genome position (GRCh38, 1-based): chr4:76,738,792, C>T. VCF-style: chr4-76738792-C-T. GRCh37 (hg19) VCF-style: chr4-77659945-C-T.
Other names: short protein forms H207Y.
Identifiers: ClinVar variation 3050398 (VCV003050398.2), dbSNP rs139272770, ClinGen allele CA2972189.

ClinVar aggregate classification (germline): Benign (0 of 4 stars; one submission).

Conditions:
SHROOM3-related disorder. Also called: SHROOM3-related condition.

Allele frequency attached by ClinVar (database versions not stated): 1000 Genomes Project 0.00080; 1000 Genomes Project 30x 0.00094; TOPMed 0.00161; ESP Exome Variant Server 0.00208; gnomAD 0.00235; gnomAD exomes 0.00299; ExAC 0.00360.
gnomAD v4.1: 4,705 of 1,614,234 alleles (0.29%); highest among the groups gnomAD compares: Non-Finnish European, 0.34%; 7 homozygotes.

Submission:

PreventionGenetics, part of Exact Sciences
Classification: Benign for SHROOM3-related condition. Last evaluated: 2019-07-12. Review status: no assertion criteria provided. Collection method: clinical testing. Allele origin: germline.
Comment: This variant is classified as benign based on ACMG/AMP sequence variant interpretation guidelines (Richards et al. 2015 PMID: 25741868, with internal and published modifications).